The following is an entry in ClinVar:

NM_030665.4(RAI1):c.2129C>T (p.Thr710Ile)

Gene: RAI1 (retinoic acid induced 1; plus strand). Cytogenetic location: 17p11.2.
Variant type: single nucleotide variant.
Coding change: c.2129C>T on transcript NM_030665.4 (MANE Select); coding-DNA position 2129, C replaced by T.
Protein change: p.Thr710Ile; replaces threonine 710 with isoleucine.
Molecular consequence: missense variant.
Genome position (GRCh38, 1-based): chr17:17,795,077, C>T. VCF-style: chr17-17795077-C-T. GRCh37 (hg19) VCF-style: chr17-17698391-C-T.
Other names: short protein forms T710I.
Identifiers: ClinVar variation 3765739 (VCV003765739.1).

ClinVar aggregate classification (germline): Uncertain significance (1 of 4 stars; one submission).

gnomAD v4.1: 1 of 1,614,050 alleles (0.000062%); highest among the groups gnomAD compares: African/African-American, 0.0013%; no homozygotes.

Submission:

Greenwood Genetic Center Diagnostic Laboratories, Greenwood Genetic Center
Classification: Uncertain significance. Last evaluated: 2024-10-31. Review status: criteria provided, single submitter. Criteria: ACMG Guidelines, 2015. Collection method: clinical testing. Allele origin: germline. Affected: yes.
Comment: PM2, BP4